The following is an entry in ClinVar:

ClinVar aggregate classification (germline): Conflicting classifications of pathogenicity. Review status: criteria provided, conflicting classifications (1 of 4 stars). 4 submissions from 4 submitters: Likely pathogenic (2); Uncertain significance (2). Last evaluated 2026-01-12.

Conditions:
IHH-Related Disorders.

Allele frequency attached by ClinVar (database versions not stated): gnomAD exomes below 0.00001.
gnomAD v4.1: 4 of 1,609,560 alleles (0.00025%); highest among the groups gnomAD compares: South Asian, 0.0022%; no homozygotes.

Submissions (4):

Labcorp Genetics (formerly Invitae), Labcorp
Classification: Likely pathogenic. Last evaluated: 2026-01-12. Review status: criteria provided, single submitter. Criteria: Invitae Variant Classification Sherloc (09022015). Collection method: clinical testing. Allele origin: germline.
Comment: This sequence change replaces valine, which is neutral and non-polar, with methionine, which is neutral and non-polar, at codon 317 of the IHH protein (p.Val317Met). This variant is present in population databases (no rsID available, gnomAD 0.003%). This missense change has been observed in individuals with autosomal dominant IHH-related conditions (PMID: 29155992, 32311039, 36373817; internal data). ClinVar contains an entry for this variant (Variation ID: 289063). Invitae Evidence Modeling of protein sequence and biophysical properties (such as structural, functional, and spatial information, amino acid conservation, physicochemical variation, residue mobility, and thermodynamic stability) indicates that this missense variant is expected to disrupt IHH protein function with a positive predictive value of 80%. In summary, the currently available evidence indicates that the variant is pathogenic, but additional data are needed to prove that conclusively. Therefore, this variant has been classified as Likely Pathogenic.

Women's Health and Genetics/Laboratory Corporation of America, LabCorp
Classification: Likely pathogenic for IHH-Related Disorders. Last evaluated: 2024-11-12. Review status: criteria provided, single submitter. Criteria: LabCorp Variant Classification Summary - May 2015. Collection method: clinical testing. Allele origin: germline.
Comment: Variant summary: IHH c.949G>A (p.Val317Met) results in a conservative amino acid change located in the Hint (Hedgehog/Intein) domain C-terminal region domain (IPR003586) of the encoded protein sequence. Four of five in-silico tools predict a damaging effect of the variant on protein function. The variant allele was found at a frequency of 4.1e-06 in 245938 control chromosomes. c.949G>A has been reported in the literature in the heterozygous state in at least 2 individuals affected with autosomal dominant short stature and brachydactyly (example, Diaz-Gonzalez_2024, Andrade_2022, Vasques_2018). These data indicate that the variant may be associated with disease. At least one publication reports experimental evidence evaluating an impact on protein function. The most pronounced variant effect results in decreased IHH protein processing and secretion in vitro (example, Diaz-Gonzalez_2024). The following publications have been ascertained in the context of this evaluation (PMID: 36373817, 38917024, 29155992). ClinVar contains an entry for this variant (Variation ID: 289063). Based on the evidence outlined above, the variant was classified as likely pathogenic.

GeneDx
Classification: Uncertain significance. Last evaluated: 2022-04-22. Review status: criteria provided, single submitter. Criteria: GeneDx Variant Classification Process June 2021. Collection method: clinical testing. Allele origin: germline. Affected: yes.
Comment: Identified in multiple unrelated individuals with short stature and severe shortening of middle phalanx of the 5th finger and mild shortening of the middle phalanx of the 2nd finger (Vasques GA et al., 2017; Sentchordi-Montan L et al., 2020); Not observed at significant frequency in large population cohorts (gnomAD); In silico analysis supports that this missense variant does not alter protein structure/function; This variant is associated with the following publications: (PMID: 29155992, 32311039)

Eurofins Ntd Llc (ga)
Classification: Uncertain significance. Last evaluated: 2016-07-20. Review status: criteria provided, single submitter. Criteria: EGL Classification Definitions 2015. Collection method: clinical testing. Allele origin: germline. Observed: 1 variant allele, 1 heterozygote.

Literature cited by the submitters: PubMed 29155992 (cited by Labcorp Genetics (formerly Invitae), Labcorp and Women's Health and Genetics/Laboratory Corporation of America, LabCorp); PubMed 32311039 (cited by Labcorp Genetics (formerly Invitae), Labcorp); PubMed 36373817 (cited by Labcorp Genetics (formerly Invitae), Labcorp and Women's Health and Genetics/Laboratory Corporation of America, LabCorp); PubMed 38917024 (cited by Women's Health and Genetics/Laboratory Corporation of America, LabCorp).

NM_002181.4(IHH):c.949G>A (p.Val317Met)

Gene: IHH (Indian hedgehog signaling molecule; minus strand). Cytogenetic location: 2q35.
Variant type: single nucleotide variant.
Coding change: c.949G>A on transcript NM_002181.4 (MANE Select); coding-DNA position 949, G replaced by A.
Protein change: p.Val317Met; replaces valine 317 with methionine.
Molecular consequence: missense variant.
Genome position (GRCh38, 1-based): chr2:219,055,494, C>T on the plus strand (G>A on the coding strand, the complement: IHH is on the minus strand). VCF-style: chr2-219055494-C-T. GRCh37 (hg19) VCF-style: chr2-219920216-C-T.
Other names: short protein forms V317M.
Identifiers: ClinVar variation 289063 (VCV000289063.16), dbSNP rs886044074, ClinGen allele CA10606316.